The following is an entry in ClinVar:

ClinVar aggregate classification (germline): Likely benign (0 of 4 stars; one submission).

Conditions:
LEPR-related disorder. Also called: LEPR-related condition; LEPR-related disorders.

Allele frequency attached by ClinVar (database versions not stated): gnomAD exomes below 0.00001; TOPMed below 0.00001; ExAC 0.00001; gnomAD 0.00001; 1000 Genomes Project 30x 0.00016; 1000 Genomes Project 0.00020.
gnomAD v4.1: 5 of 1,613,880 alleles (0.00031%); highest among the groups gnomAD compares: Admixed American, 0.0017%; no homozygotes.

Submission:

PreventionGenetics, part of Exact Sciences
Classification: Likely benign for LEPR-related condition. Last evaluated: 2021-09-25. Review status: no assertion criteria provided. Collection method: clinical testing. Allele origin: germline.
Comment: This variant is classified as likely benign based on ACMG/AMP sequence variant interpretation guidelines (Richards et al. 2015 PMID: 25741868, with internal and published modifications).

NM_002303.6(LEPR):c.2598-3T>C

Gene: LEPR (leptin receptor; plus strand). Cytogenetic location: 1p31.3.
Variant type: single nucleotide variant.
Coding change: c.2598-3T>C on transcript NM_002303.6 (MANE Select); 3 bases into the intron before coding-DNA position 2598, T replaced by C.
Molecular consequence: intron variant.
Genome position (GRCh38, 1-based): chr1:65,622,903, T>C. VCF-style: chr1-65622903-T-C. GRCh37 (hg19) VCF-style: chr1-66088586-T-C.
Other names: c.2598-3T>C (NM_001003679.3, NM_001003680.3, NM_001198689.2 and 2 more transcripts).
Identifiers: ClinVar variation 3031476 (VCV003031476.2), dbSNP rs200460320, ClinGen allele CA895063.